The following is an entry in ClinVar:

NM_000088.4(COL1A1):c.1444G>T (p.Gly482Ter)

Gene: COL1A1 (collagen type I alpha 1 chain; minus strand). Cytogenetic location: 17q21.33.
Variant type: single nucleotide variant.
Coding change: c.1444G>T on transcript NM_000088.4 (MANE Select); coding-DNA position 1444, G replaced by T.
Protein change: p.Gly482Ter; replaces glycine 482 with a stop codon.
Molecular consequence: nonsense.
Genome position (GRCh38, 1-based): chr17:50,194,738, C>A on the plus strand (G>T on the coding strand, the complement: COL1A1 is on the minus strand). VCF-style: chr17-50194738-C-A. GRCh37 (hg19) VCF-style: chr17-48272099-C-A.
Other names: short protein forms G482*.
Identifiers: ClinVar variation 3649548 (VCV003649548.2).

ClinVar aggregate classification (germline): Pathogenic (1 of 4 stars; one submission).

Conditions:
Osteogenesis imperfecta type I (OI1). Also called: Classic Non-deforming Osteogenesis Imperfecta with Blue Sclerae; OI, TYPE I; OSTEOGENESIS IMPERFECTA TARDA; OSTEOGENESIS IMPERFECTA WITH BLUE SCLERAE; Osteogenesis imperfecta type 1; Lobstein's Disease. Identifiers: Orphanet 216796, Orphanet 666, MedGen C0023931, MONDO:0008146, OMIM 166200. Disease mechanism: loss of function.

Submission:

Labcorp Genetics (formerly Invitae), Labcorp
Classification: Pathogenic for Osteogenesis imperfecta type I. Last evaluated: 2024-07-12. Review status: criteria provided, single submitter. Criteria: Invitae Variant Classification Sherloc (09022015). Collection method: clinical testing. Allele origin: germline.
Comment: This sequence change creates a premature translational stop signal (p.Gly482*) in the COL1A1 gene. It is expected to result in an absent or disrupted protein product. Loss-of-function variants in COL1A1 are known to be pathogenic (PMID: 7942841, 9295084, 9443882). This variant is not present in population databases (gnomAD no frequency). This variant has not been reported in the literature in individuals affected with COL1A1-related conditions. For these reasons, this variant has been classified as Pathogenic.

Literature cited by the submitters: PubMed 7942841; PubMed 9295084; PubMed 9443882.